The following is an entry in ClinVar:

NM_139318.5(KCNH5):c.1505G>T (p.Ser502Ile)

Gene: KCNH5 (potassium voltage-gated channel subfamily H member 5; minus strand). Cytogenetic location: 14q23.2.
Variant type: single nucleotide variant.
Coding change: c.1505G>T on transcript NM_139318.5 (MANE Select); coding-DNA position 1505, G replaced by T.
Protein change: p.Ser502Ile; replaces serine 502 with isoleucine.
Molecular consequence: missense variant.
Genome position (GRCh38, 1-based): chr14:62,849,717, C>A on the plus strand (G>T on the coding strand, the complement: KCNH5 is on the minus strand). VCF-style: chr14-62849717-C-A. GRCh37 (hg19) VCF-style: chr14-63316435-C-A.
Other names: c.1505G>T, p.Ser502Ile (NM_172375.3); short protein forms S502I.
Identifiers: ClinVar variation 3694931 (VCV003694931.2).

ClinVar aggregate classification (germline): Uncertain significance (1 of 4 stars; one submission).

Conditions:
Early-infantile DEE. Also called: Early infantile epileptic encephalopathy with suppression bursts; Early infantile epileptic encephalopathy; Ohtahara syndrome. Identifiers: Orphanet 1934, MedGen C0393706, MONDO:0800491.

gnomAD v4.1: 1 of 1,613,918 alleles (0.000062%); highest among the groups gnomAD compares: Admixed American, 0.0017%; no homozygotes.

Submission:

Labcorp Genetics (formerly Invitae), Labcorp
Classification: Uncertain significance for Early-infantile DEE. Last evaluated: 2024-07-24. Review status: criteria provided, single submitter. Criteria: Invitae Variant Classification Sherloc (09022015). Collection method: clinical testing. Allele origin: germline.
Comment: This sequence change replaces serine, which is neutral and polar, with isoleucine, which is neutral and non-polar, at codon 502 of the KCNH5 protein (p.Ser502Ile). This variant is present in population databases (rs764182640, gnomAD 0.003%). This variant has not been reported in the literature in individuals affected with KCNH5-related conditions. Advanced modeling of protein sequence and biophysical properties (such as structural, functional, and spatial information, amino acid conservation, physicochemical variation, residue mobility, and thermodynamic stability) performed at Invitae indicates that this missense variant is expected to disrupt KCNH5 protein function with a positive predictive value of 95%. In summary, the available evidence is currently insufficient to determine the role of this variant in disease. Therefore, it has been classified as a Variant of Uncertain Significance.